The following is an entry in ClinVar:

ClinVar aggregate classification (germline): Uncertain significance (1 of 4 stars; one submission).

Submission:

GeneDx
Classification: Uncertain significance. Last evaluated: 2023-11-30. Review status: criteria provided, single submitter. Criteria: GeneDx Variant Classification Process June 2021. Collection method: clinical testing. Allele origin: germline. Affected: yes.
Comment: Not observed at significant frequency in large population cohorts (gnomAD); In silico analysis supports that this missense variant does not alter protein structure/function; Has not been previously published as pathogenic or benign to our knowledge

NM_002941.4(ROBO1):c.824T>C (p.Val275Ala)

Gene: ROBO1 (roundabout guidance receptor 1; minus strand). Cytogenetic location: 3p12.3.
Variant type: single nucleotide variant.
Coding change: c.824T>C on transcript NM_002941.4 (MANE Select); coding-DNA position 824, T replaced by C.
Protein change: p.Val275Ala; replaces valine 275 with alanine.
Molecular consequence: missense variant.
Genome position (GRCh38, 1-based): chr3:78,717,368, A>G on the plus strand (T>C on the coding strand, the complement: ROBO1 is on the minus strand). VCF-style: chr3-78717368-A-G. GRCh37 (hg19) VCF-style: chr3-78766518-A-G.
Other names: c.707T>C, p.Val236Ala (NM_001145845.2, NM_133631.4); short protein forms V236A, V275A.
Identifiers: ClinVar variation 3365120 (VCV003365120.1).